The following is an entry in ClinVar:

ClinVar aggregate classification (germline): Uncertain significance. Review status: criteria provided, multiple submitters, no conflicts (2 of 4 stars). 2 submissions from 2 submitters: Uncertain significance (2). Last evaluated 2026-02-02.

Allele frequency attached by ClinVar (database versions not stated): gnomAD exomes 0.00005; ExAC 0.00007; TOPMed 0.00017; gnomAD 0.00018 and 0.00019; ESP Exome Variant Server 0.00031; 1000 Genomes Project 0.00040; 1000 Genomes Project 30x 0.00078.
gnomAD v4.1: 53 of 1,614,108 alleles (0.0033%); highest among the groups gnomAD compares: African/African-American, 0.064%; no homozygotes.

Submissions (2):

Labcorp Genetics (formerly Invitae), Labcorp
Classification: Uncertain significance. Last evaluated: 2026-02-02. Review status: criteria provided, single submitter. Criteria: Invitae Variant Classification Sherloc (09022015). Collection method: clinical testing. Allele origin: germline.
Comment: This sequence change replaces proline, which is neutral and non-polar, with leucine, which is neutral and non-polar, at codon 8 of the KIF20A protein (p.Pro8Leu). This variant is present in population databases (rs116046687, gnomAD 0.08%), and has an allele count higher than expected for a pathogenic variant. This variant has not been reported in the literature in individuals affected with KIF20A-related conditions. ClinVar contains an entry for this variant (Variation ID: 1437136). An algorithm developed to predict the effect of missense changes on protein structure and function (PolyPhen-2) suggests that this variant is likely to be disruptive. In summary, the available evidence is currently insufficient to determine the role of this variant in disease. Therefore, it has been classified as a Variant of Uncertain Significance.

Ambry Genetics
Classification: Uncertain significance. Last evaluated: 2024-07-14. Review status: criteria provided, single submitter. Criteria: Ambry Variant Classification Scheme 2023. Collection method: clinical testing. Allele origin: germline.

NM_005733.3(KIF20A):c.23C>T (p.Pro8Leu)

Gene: KIF20A (kinesin family member 20A; plus strand). Cytogenetic location: 5q31.2.
Variant type: single nucleotide variant.
Coding change: c.23C>T on transcript NM_005733.3 (MANE Select); coding-DNA position 23, C replaced by T.
Protein change: p.Pro8Leu; replaces proline 8 with leucine.
Molecular consequence: missense variant.
Genome position (GRCh38, 1-based): chr5:138,179,703, C>T. VCF-style: chr5-138179703-C-T. GRCh37 (hg19) VCF-style: chr5-137515392-C-T.
Other names: c.23C>T (NM_005733.2); short protein forms P8L.
Identifiers: ClinVar variation 1437136 (VCV001437136.10), dbSNP rs116046687, ClinGen allele CA3426211.